The following is an entry in ClinVar:

ClinVar aggregate classification (germline): Likely pathogenic (1 of 4 stars; one submission).

Allele frequency attached by ClinVar (database versions not stated): gnomAD exomes below 0.00001; ExAC 0.00001.
gnomAD v4.1: 1 of 1,614,030 alleles (0.000062%); highest among the groups gnomAD compares: Non-Finnish European, 0.000085%; no homozygotes.

Submission:

Athena Diagnostics
Classification: Likely pathogenic. Last evaluated: 2020-01-21. Review status: criteria provided, single submitter. Criteria: Athena Diagnostics Criteria. Collection method: clinical testing. Allele origin: unknown.
Comment: The variant disrupts a cysteine residue in an EGF-like repeat domain, which is important for the structure of this protein. Therefore it is expected to severely affect the function of the protein. The frequency of this variant in the general population is consistent with pathogenicity.

NM_000435.3(NOTCH3):c.1823G>A (p.Cys608Tyr)

Gene: NOTCH3 (notch receptor 3; minus strand). Cytogenetic location: 19p13.12.
Variant type: single nucleotide variant.
Coding change: c.1823G>A on transcript NM_000435.3 (MANE Select); coding-DNA position 1823, G replaced by A.
Protein change: p.Cys608Tyr; replaces cysteine 608 with tyrosine.
Molecular consequence: missense variant.
Genome position (GRCh38, 1-based): chr19:15,187,122, C>T on the plus strand (G>A on the coding strand, the complement: NOTCH3 is on the minus strand). VCF-style: chr19-15187122-C-T. GRCh37 (hg19) VCF-style: chr19-15297933-C-T.
Other names: short protein forms C608Y.
Identifiers: ClinVar variation 994829 (VCV000994829.1), dbSNP rs778350156, ClinGen allele CA9263539.